The following is an entry in ClinVar:

ClinVar aggregate classification (germline): Likely benign (1 of 4 stars; one submission).

Allele frequency attached by ClinVar (database versions not stated): TOPMed 0.00036; ESP Exome Variant Server 0.00046; gnomAD 0.00048; 1000 Genomes Project 30x 0.00156; 1000 Genomes Project 0.00200.
gnomAD v4.1: 163 of 1,599,078 alleles (0.01%); highest among the groups gnomAD compares: African/African-American, 0.17%; 1 homozygote.

Submission:

GeneDx
Classification: Likely benign. Last evaluated: 2017-07-27. Review status: criteria provided, single submitter. Criteria: GeneDx Variant Classification (06012015). Collection method: clinical testing. Allele origin: germline. Affected: yes.
Comment: This variant is considered likely benign or benign based on one or more of the following criteria: it is a conservative change, it occurs at a poorly conserved position in the protein, it is predicted to be benign by multiple in silico algorithms, and/or has population frequency not consistent with disease.

NM_003863.4(DPM2):c.-11C>T

Genes: DPM2 (dolichyl-phosphate mannosyltransferase subunit 2, regulatory; minus strand), LOC130002675 (ATAC-STARR-seq lymphoblastoid active region 29062; plus strand). Cytogenetic location: 9q34.11.
Variant type: single nucleotide variant.
Coding change: c.-11C>T on transcript NM_003863.4 (MANE Select); 11 bases upstream of the start codon, C replaced by T.
Molecular consequence: 5 prime UTR variant. On other transcripts: non-coding transcript variant (2).
Genome position (GRCh38, 1-based): chr9:127,937,831, G>A on the plus strand (C>T on the coding strand, the complement: DPM2 is on the minus strand). VCF-style: chr9-127937831-G-A. GRCh37 (hg19) VCF-style: chr9-130700110-G-A.
Other names: c.-11C>T (NM_001378436.1, NM_001378437.1).
Identifiers: ClinVar variation 390048 (VCV000390048.1), dbSNP rs146637437, ClinGen allele CA5254776.